The following is an entry in ClinVar:

NM_007294.4(BRCA1):c.548-5T>C

Gene: BRCA1 (BRCA1 DNA repair associated; minus strand). Cytogenetic location: 17q21.31.
Variant type: single nucleotide variant.
Coding change: c.548-5T>C on transcript NM_007294.4 (MANE Select); 5 bases into the intron before coding-DNA position 548, T replaced by C.
Molecular consequence: intron variant.
Genome position (GRCh38, 1-based): chr17:43,097,294, A>G on the plus strand (T>C on the coding strand, the complement: BRCA1 is on the minus strand). VCF-style: chr17-43097294-A-G. GRCh37 (hg19) VCF-style: chr17-41249311-A-G.
Other names: c.407-5T>C (NM_001408458.1, NM_001408469.1, NM_001408453.1 and 43 more transcripts); c.-218-2434T>C (NM_001407967.1, NM_001407966.1); c.167-5T>C (NM_001407959.1, NM_001408510.1, NM_001407963.1 and 1 more transcripts); c.404-2434T>C (NM_001407931.1, NM_001407932.1, NM_001408503.1 and 5 more transcripts); c.404-5T>C (NM_001407747.1, NM_001408470.1, NM_001407848.1 and 26 more transcripts); c.164-5T>C (NM_001407962.1); c.167-2434T>C (NM_001408512.1, NM_001407965.1); c.338-5T>C (NM_001407885.1, NM_001407886.1, NM_001407881.1 and 27 more transcripts); and 17 more.
Identifiers: ClinVar variation 1747820 (VCV001747820.3), dbSNP rs2552236089, ClinGen allele CA2580094133.
Genomic context (GRCh38, chr17:43,097,294, plus strand): 5'-TTTGACTCACCTGCAATAAGTTGCCTTATTAACGGTATCTTCAGAAGAATCAGATCCTAA[A>G]AAATTTCCCCCCAAAAAATAAATCAATAAAAGTTTTCTTAATTAAAAGGGTTAAAAAAAT-3'

ClinVar aggregate classification (germline): Uncertain significance (1 of 4 stars; one submission).

Conditions:
Hereditary cancer-predisposing syndrome. Also called: Tumor predisposition; Hereditary Cancer Syndrome; Hereditary neoplastic syndrome; Neoplastic Syndromes, Hereditary. Identifiers: Orphanet 140162, MedGen C0027672, MeSH D009386, MONDO:0015356.

Submission:

Ambry Genetics
Classification: Uncertain significance for Hereditary cancer-predisposing syndrome. Last evaluated: 2026-02-02. Review status: criteria provided, single submitter. Criteria: Ambry Variant Classification Scheme 2023. Collection method: clinical testing. Allele origin: germline.
Comment: The c.548-5T>C intronic variant results from a T to C substitution 5 nucleotides upstream from coding exon 7 in the BRCA1 gene. This nucleotide position is highly conserved in available vertebrate species. In silico splice site analysis predicts that this alteration will not have any significant effect on splicing. Based on the available evidence, the clinical significance of this variant remains unclear.